The following is an entry in ClinVar:

ClinVar aggregate classification (germline): Benign (1 of 4 stars; one submission).

Submissions (5):

Unidad de Genómica Garrahan, Hospital de Pediatría Garrahan
Classification: Benign. Last evaluated: 2024-07-31. Review status: criteria provided, single submitter. Criteria: ACMG Guidelines, 2015. Collection method: clinical testing. Allele origin: germline. Affected: no. Observed: 23 variant alleles.
Comment: This variant is classified as Benign based on local population frequency. This variant was detected in 25% of patients studied in a panel designed for Epileptic and Developmental Encephalopathy, Progressive Myoclonus Epilepsy and Abnormal Movements and Neurodegeneration with brain iron accumulation. Number of patients: 23. Only high quality variants are reported.

Dr. Peter K. Rogan Lab, Western University
No classification provided (evidence only). Condition: Adrenocortical carcinoma, hereditary. Review status: no classification provided. Collection method: in vitro. Allele origin: not applicable. Functional consequence: retained intron. Not counted in ClinVar's aggregate classification.

Dr. Peter K. Rogan Lab, Western University
No classification provided (evidence only). Condition: Adrenocortical carcinoma, hereditary. Review status: no classification provided. Collection method: in vitro. Allele origin: not applicable. Functional consequence: retained intron. Not counted in ClinVar's aggregate classification.

Dr. Peter K. Rogan Lab, Western University
No classification provided (evidence only). Condition: Adrenocortical carcinoma, hereditary. Review status: no classification provided. Collection method: in vitro. Allele origin: not applicable. Functional consequence: retained intron. Not counted in ClinVar's aggregate classification.

Dr. Peter K. Rogan Lab, Western University
No classification provided (evidence only). Condition: Adrenocortical carcinoma, hereditary. Review status: no classification provided. Collection method: in vitro. Allele origin: not applicable. Functional consequence: retained intron. Not counted in ClinVar's aggregate classification.

NM_001367233.3(HEPH):c.2379A>G (p.Thr793=)

Gene: HEPH (hephaestin; plus strand). Cytogenetic location: Xq12.
Variant type: single nucleotide variant.
Coding change: c.2379A>G on transcript NM_001367233.3 (MANE Select); coding-DNA position 2379, A replaced by G.
Protein change: p.Thr793=; no amino-acid change (threonine 793 retained).
Molecular consequence: synonymous variant. On other transcripts: non-coding transcript variant (3).
Genome position (GRCh38, 1-based): chrX:66,207,282, A>G. VCF-style: chrX-66207282-A-G. GRCh37 (hg19) VCF-style: chrX-65427124-A-G.
Other names: NC_000023.10:g.65427124A>G; c.2379A>G, p.Thr793= (NM_001130860.6, NM_001367232.3, NM_001367234.3 and 3 more transcripts); c.1803A>G, p.Thr601= (NM_001282141.3, NM_001367243.3); c.2373A>G, p.Thr791= (NM_001367236.3); c.2166A>G, p.Thr722= (NM_001367238.3, NM_001367239.3); c.1578A>G, p.Thr526= (NM_001367242.2, NM_014799.4).
Identifiers: ClinVar variation 3256830 (VCV003256830.3).
Genomic context (GRCh38, chrX:66,207,282, plus strand): 5'-GGATGGGCTCCTGGGTTCCAGATACAAGAAAGCTGTATTCAGGGAATACACTGATGGTAC[A>G]TTCAGGATCCCTCGGCCAAGGACTGGACCAGAAGAACACTTGGGAATCTTGGGTAAGGGA-3'
Protein context (NP_001354162.2, residues 783-803): KAVFREYTDG[Thr793=]FRIPRPRTGP